The following is an entry in ClinVar:

ClinVar aggregate classification (germline): Likely benign (1 of 4 stars; one submission).

Submission:

CeGaT Center for Human Genetics Tuebingen
Classification: Likely benign. Last evaluated: 2023-11-01. Review status: criteria provided, single submitter. Criteria: CeGaT Center For Human Genetics Tuebingen Variant Classification Criteria Version 2. Collection method: clinical testing. Allele origin: germline. Affected: yes. Observed: 1 variant allele.
Comment: NPC1: PM2:Supporting, BP4, BP7

NM_000271.5(NPC1):c.1911A>C (p.Leu637=)

Gene: NPC1 (NPC intracellular cholesterol transporter 1; minus strand). Cytogenetic location: 18q11.2.
Variant type: single nucleotide variant.
Coding change: c.1911A>C on transcript NM_000271.5 (MANE Select); coding-DNA position 1911, A replaced by C.
Protein change: p.Leu637=; no amino-acid change (leucine 637 retained).
Molecular consequence: synonymous variant.
Genome position (GRCh38, 1-based): chr18:23,544,996, T>G on the plus strand (A>C on the coding strand, the complement: NPC1 is on the minus strand). VCF-style: chr18-23544996-T-G. GRCh37 (hg19) VCF-style: chr18-21124960-T-G.
Identifiers: ClinVar variation 2672720 (VCV002672720.23), dbSNP rs2511239721, ClinGen allele CA503521906.